The following is an entry in ClinVar:

ClinVar aggregate classification (germline): Uncertain significance (1 of 4 stars; one submission).

Conditions:
Werner syndrome (WRN). Identifiers: Orphanet 902, MedGen C0043119, MONDO:0010196, OMIM 277700.

Submission:

Labcorp Genetics (formerly Invitae), Labcorp
Classification: Uncertain significance for Werner syndrome. Last evaluated: 2025-05-05. Review status: criteria provided, single submitter. Criteria: Invitae Variant Classification Sherloc (09022015). Collection method: clinical testing. Allele origin: germline.
Comment: This sequence change replaces glutamine, which is neutral and polar, with histidine, which is basic and polar, at codon 101 of the WRN protein (p.Gln101His). This variant is not present in population databases (gnomAD no frequency). This variant has not been reported in the literature in individuals affected with WRN-related conditions. ClinVar contains an entry for this variant (Variation ID: 2111439). An algorithm developed to predict the effect of missense changes on protein structure and function (PolyPhen-2) suggests that this variant is likely to be disruptive. In summary, the available evidence is currently insufficient to determine the role of this variant in disease. Therefore, it has been classified as a Variant of Uncertain Significance.

NM_000553.6(WRN):c.303G>T (p.Gln101His)

Gene: WRN (WRN RecQ like helicase; plus strand). Cytogenetic location: 8p12.
Variant type: single nucleotide variant.
Coding change: c.303G>T on transcript NM_000553.6 (MANE Select); coding-DNA position 303, G replaced by T.
Protein change: p.Gln101His; replaces glutamine 101 with histidine.
Molecular consequence: missense variant.
Genome position (GRCh38, 1-based): chr8:31,064,382, G>T. VCF-style: chr8-31064382-G-T. GRCh37 (hg19) VCF-style: chr8-30921898-G-T.
Other names: short protein forms Q101H.
Identifiers: ClinVar variation 2111439 (VCV002111439.4), dbSNP rs765687541, ClinGen allele CA370914288.
Genomic context (GRCh38, chr8:31,064,382, plus strand): 5'-TGACATGGAGTGGCCACCATTATACAATAGAGGGAAACTTGGCAAAGTTGCACTAATTCA[G>T]TTGTGTGTTTCTGAGAGCAAATGTTACTTGTTCCACGTTTCTTCCATGTCAGGTTGGTAT-3'
Protein context (NP_000544.2, residues 91-111): RGKLGKVALI[Gln101His]LCVSESKCYL